The following is an entry in ClinVar:

NM_000038.6(APC):c.258del (p.Lys86fs)

Gene: APC (APC regulator of Wnt signaling pathway; plus strand). Cytogenetic location: 5q22.2.
Variant type: Deletion.
Coding change: c.258del on transcript NM_000038.6 (MANE Select); coding-DNA position 258, one base deleted (A; older notation c.258delA).
Protein change: p.Lys86fs; shifts the reading frame from lysine 86.
Molecular consequence: frameshift variant. On other transcripts: 5 prime UTR variant (4), non-coding transcript variant (2).
Genome position (GRCh38, 1-based): chr5:112,767,226, A deleted; the last of 4 consecutive A bases (chr5:112,767,223-112,767,226); deleting any one gives the same sequence. VCF-style (leftmost placement, unchanged base first): chr5-112767222-TA-T. GRCh37 (hg19) VCF-style: chr5-112102919-TA-T.
Other names: c.258del, p.Lys86fs (NM_001127510.3, NM_001354895.2, NM_001354896.2 and 16 more transcripts); c.288del, p.Lys96fs (NM_001127511.3, NM_001354897.2, NM_001354902.2 and 1 more transcripts); c.183del, p.Lys61fs (NM_001354898.2, NM_001354904.2, NM_001407451.1); c.81del, p.Lys27fs (NM_001354900.2, NM_001354901.2, NM_001354905.2 and 1 more transcripts); c.-778del (NM_001354906.2, NM_001407470.1, NM_001407471.1 and 1 more transcripts); short protein forms K27fs, K61fs, K86fs, K96fs.
Identifiers: ClinVar variation 2583495 (VCV002583495.1), dbSNP rs1114167546, ClinGen allele CA2582341254.
Genomic context (GRCh38, chr5:112,767,222, plus strand): 5'-ATAAAAACTTGTTTCTATTTTATTTAGAGCTTAACTTAGATAGCAGTAATTTCCCTGGAG[TA>T]AAACTGCGGTCAAAAATGTCCCTCCGTTCTTATGGAAGCCGGGAAGGATCTGTATCAAGC-3'

ClinVar aggregate classification (germline): Pathogenic (1 of 4 stars; one submission).

Conditions:
Familial adenomatous polyposis 1 (FAP1). Also called: POLYPOSIS, ADENOMATOUS INTESTINAL; FAMILIAL ADENOMATOUS POLYPOSIS 1, ATTENUATED. Identifiers: MedGen C2713442, MONDO:0021056, OMIM 175100. Disease mechanism: loss of function.

Submission:

Myriad Genetics, Inc.
Classification: Pathogenic for Familial adenomatous polyposis 1. Last evaluated: 2023-04-25. Review status: criteria provided, single submitter. Criteria: Myriad Autosomal Dominant, Autosomal Recessive and X-Linked Classification Criteria (2023). Collection method: clinical testing. Allele origin: unknown.
Comment: This variant is considered pathogenic. This variant creates a frameshift predicted to result in premature protein truncation.